The following is an entry in ClinVar:

NM_022065.5(THADA):c.4153A>T (p.Thr1385Ser)

Gene: THADA (THADA armadillo repeat containing; minus strand). Cytogenetic location: 2p21.
Variant type: single nucleotide variant.
Coding change: c.4153A>T on transcript NM_022065.5 (MANE Select); coding-DNA position 4153, A replaced by T.
Protein change: p.Thr1385Ser; replaces threonine 1385 with serine.
Molecular consequence: missense variant. On other transcripts: non-coding transcript variant (2).
Genome position (GRCh38, 1-based): chr2:43,398,045, T>A on the plus strand (A>T on the coding strand, the complement: THADA is on the minus strand). VCF-style: chr2-43398045-T-A. GRCh37 (hg19) VCF-style: chr2-43625184-T-A.
Other names: c.4153A>T, p.Thr1385Ser (NM_001083953.2, NM_001345925.2); c.4150A>T, p.Thr1384Ser (NM_001345923.2); c.4030A>T, p.Thr1344Ser (NM_001345924.2); c.*224A>T (NM_198554.1); short protein forms T1344S, T1384S, T1385S.
Identifiers: ClinVar variation 3059659 (VCV003059659.2), dbSNP rs33979934, ClinGen allele CA1632337.

ClinVar aggregate classification (germline): Benign (0 of 4 stars; one submission).

Conditions:
THADA-related disorder. Also called: THADA-related condition.

Allele frequency attached by ClinVar (database versions not stated): 1000 Genomes Project 30x 0.21205; 1000 Genomes Project 0.21326; TOPMed 0.23733; ESP Exome Variant Server 0.24489; ExAC 0.24692; gnomAD 0.24721.
gnomAD v4.1: 417,227 of 1,613,328 alleles (26%); highest among the groups gnomAD compares: South Asian, 34%; 56,378 homozygotes.

Submission:

PreventionGenetics, part of Exact Sciences
Classification: Benign for THADA-related condition. Last evaluated: 2019-06-11. Review status: no assertion criteria provided. Collection method: clinical testing. Allele origin: germline.
Comment: This variant is classified as benign based on ACMG/AMP sequence variant interpretation guidelines (Richards et al. 2015 PMID: 25741868, with internal and published modifications).